The following is an entry in ClinVar:

ClinVar aggregate classification (germline): Uncertain significance (1 of 4 stars; one submission).

Allele frequency attached by ClinVar (database versions not stated): gnomAD exomes 0.00001; ExAC 0.00002; TOPMed 0.00002.
gnomAD v4.1: 8 of 1,614,140 alleles (0.0005%); highest among the groups gnomAD compares: Admixed American, 0.013%; no homozygotes.

Submission:

Labcorp Genetics (formerly Invitae), Labcorp
Classification: Uncertain significance. Last evaluated: 2026-01-06. Review status: criteria provided, single submitter. Criteria: Invitae Variant Classification Sherloc (09022015). Collection method: clinical testing. Allele origin: germline.
Comment: This sequence change replaces glutamic acid, which is acidic and polar, with alanine, which is neutral and non-polar, at codon 172 of the TWNK protein (p.Glu172Ala). This variant is present in population databases (rs764143807, gnomAD 0.01%). This variant has not been reported in the literature in individuals affected with TWNK-related conditions. ClinVar contains an entry for this variant (Variation ID: 2417210). Invitae Evidence Modeling of protein sequence and biophysical properties (such as structural, functional, and spatial information, amino acid conservation, physicochemical variation, residue mobility, and thermodynamic stability) indicates that this missense variant is expected to disrupt TWNK protein function with a positive predictive value of 95%. In summary, the available evidence is currently insufficient to determine the role of this variant in disease. Therefore, it has been classified as a Variant of Uncertain Significance.

NM_021830.5(TWNK):c.515A>C (p.Glu172Ala)

Gene: TWNK (twinkle mtDNA helicase; plus strand). Cytogenetic location: 10q24.31.
Variant type: single nucleotide variant.
Coding change: c.515A>C on transcript NM_021830.5 (MANE Select); coding-DNA position 515, A replaced by C.
Protein change: p.Glu172Ala; replaces glutamic acid 172 with alanine.
Molecular consequence: missense variant. On other transcripts: non-coding transcript variant (4), intron variant (3).
Genome position (GRCh38, 1-based): chr10:100,988,725, A>C. VCF-style: chr10-100988725-A-C. GRCh37 (hg19) VCF-style: chr10-102748482-A-C.
Other names: c.515A>C, p.Glu172Ala (NM_001163812.2); c.-119-919A>C (NM_001163814.2, NM_001163813.2); c.-57-981A>C (NM_001368275.1); short protein forms E172A.
Identifiers: ClinVar variation 2417210 (VCV002417210.6), dbSNP rs764143807, ClinGen allele CA5653073.
Genomic context (GRCh38, chr10:100,988,725, plus strand): 5'-AGGAGGTCCGGAGGATCTGGAACCGAGCAATACCTCTCTGGGAGCTGCCTGATCAGGAGG[A>C]GGTTCAGCTGGCTGATACAATGTTTGGCCTTACCAAGGTTACAGATGACACACTCAAGCG-3'
Protein context (NP_068602.2, residues 162-182): IPLWELPDQE[Glu172Ala]VQLADTMFGL